The following is an entry in ClinVar:

ClinVar aggregate classification (germline): Uncertain significance (1 of 4 stars; one submission).

Conditions:
Deficiency of butyryl-CoA dehydrogenase (ACADSD). Also called: SCAD DEFICIENCY, MILD; ACYL-CoA DEHYDROGENASE, SHORT-CHAIN, DEFICIENCY OF; ACADS DEFICIENCY; Short-Chain Acyl-CoA Dehydrogenase Deficiency; SCAD Deficiency; SCADH DEFICIENCY. Identifiers: Orphanet 26792, MedGen C0342783, MONDO:0008722, OMIM 201470. Disease mechanism: May be benign.

Submission:

Labcorp Genetics (formerly Invitae), Labcorp
Classification: Uncertain significance for Deficiency of butyryl-CoA dehydrogenase. Last evaluated: 2022-07-11. Review status: criteria provided, single submitter. Criteria: Invitae Variant Classification Sherloc (09022015). Collection method: clinical testing. Allele origin: germline.
Comment: In summary, the available evidence is currently insufficient to determine the role of this variant in disease. Therefore, it has been classified as a Variant of Uncertain Significance. Variants that disrupt the consensus splice site are a relatively common cause of aberrant splicing (PMID: 17576681, 9536098). Algorithms developed to predict the effect of sequence changes on RNA splicing suggest that this variant may disrupt the consensus splice site. This variant has not been reported in the literature in individuals affected with ACADS-related conditions. This variant is not present in population databases (gnomAD no frequency). This sequence change falls in intron 6 of the ACADS gene. It does not directly change the encoded amino acid sequence of the ACADS protein. It affects a nucleotide within the consensus splice site.

Literature cited by the submitters: PubMed 17576681; PubMed 9536098.

NM_000017.4(ACADS):c.795+4A>G

Gene: ACADS (acyl-CoA dehydrogenase short chain; plus strand). Cytogenetic location: 12q24.31.
Variant type: single nucleotide variant.
Coding change: c.795+4A>G on transcript NM_000017.4 (MANE Select); 4 bases into the intron after coding-DNA position 795, A replaced by G.
Molecular consequence: intron variant.
Genome position (GRCh38, 1-based): chr12:120,738,454, A>G. VCF-style: chr12-120738454-A-G. GRCh37 (hg19) VCF-style: chr12-121176257-A-G.
Other names: c.783+4A>G (NM_001302554.2).
Identifiers: ClinVar variation 2016107 (VCV002016107.4), dbSNP rs2501196934, ClinGen allele CA2580085900.
Genomic context (GRCh38, chr12:120,738,454, plus strand): 5'-CGCATCCCCAAGGACAGCATCCTGGGGGAGCCAGGGATGGGCTTCAAGATAGCCATGGTG[A>G]GCCCGGCAGTGGGGGTGGCACCTTGAGGCCAGGCCCGCGCCCCGGCTGGCGGGCCACTGA-3'